The following is an entry in ClinVar:

NM_198578.4(LRRK2):c.5098T>A (p.Phe1700Ile)

Gene: LRRK2 (leucine rich repeat kinase 2; plus strand). Cytogenetic location: 12q12.
Variant type: single nucleotide variant.
Coding change: c.5098T>A on transcript NM_198578.4 (MANE Select); coding-DNA position 5098, T replaced by A.
Protein change: p.Phe1700Ile; replaces phenylalanine 1700 with isoleucine.
Molecular consequence: missense variant.
Genome position (GRCh38, 1-based): chr12:40,321,116, T>A. VCF-style: chr12-40321116-T-A. GRCh37 (hg19) VCF-style: chr12-40714918-T-A.
Other names: short protein forms F1700I.
Identifiers: ClinVar variation 3292056 (VCV003292056.1).

ClinVar aggregate classification (germline): Uncertain significance (1 of 4 stars; one submission).

Conditions:
Inborn genetic diseases. Identifiers: MedGen C0950123, MeSH D030342.

Submission:

Ambry Genetics
Classification: Uncertain significance for Inborn genetic diseases. Last evaluated: 2024-06-06. Review status: criteria provided, single submitter. Criteria: Ambry Variant Classification Scheme 2023. Collection method: clinical testing. Allele origin: germline.
Comment: The p.F1700I variant (also known as c.5098T>A), located in coding exon 35 of the LRRK2 gene, results from a T to A substitution at nucleotide position 5098. The phenylalanine at codon 1700 is replaced by isoleucine, an amino acid with highly similar properties. This amino acid position is conserved. In addition, the in silico prediction for this alteration is inconclusive. Based on the available evidence, the clinical significance of this variant remains unclear.